The following is an entry in ClinVar:

NM_203447.4(DOCK8):c.2427C>T (p.Ile809=)

Gene: DOCK8 (dedicator of cytokinesis 8; plus strand). Cytogenetic location: 9p24.3.
Variant type: single nucleotide variant.
Coding change: c.2427C>T on transcript NM_203447.4 (MANE Select); coding-DNA position 2427, C replaced by T.
Protein change: p.Ile809=; no amino-acid change (isoleucine 809 retained).
Molecular consequence: synonymous variant.
Genome position (GRCh38, 1-based): chr9:377,198, C>T. VCF-style: chr9-377198-C-T. GRCh37 (hg19) VCF-style: chr9-377198-C-T.
Other names: c.2223C>T, p.Ile741= (NM_001190458.2, NM_001193536.2).
Identifiers: ClinVar variation 389288 (VCV000389288.7), dbSNP rs772977760, ClinGen allele CA4958186.

ClinVar aggregate classification (germline): Likely benign. Review status: criteria provided, multiple submitters, no conflicts (2 of 4 stars). 3 submissions from 3 submitters: Likely benign (3). Last evaluated 2024-05-13.

Conditions:
Combined immunodeficiency due to DOCK8 deficiency (HIES2). Also called: DOCK8 Deficiency; HIES autosomal recessive; HYPER-IgE RECURRENT INFECTION SYNDROME 2, AUTOSOMAL RECESSIVE; HYPER-IgE SYNDROME 2, AUTOSOMAL RECESSIVE, WITH RECURRENT INFECTIONS; Hyper-IgE recurrent infection syndrome, autosomal recessive. Identifiers: Orphanet 217390, MedGen C4722305, MONDO:0009478, OMIM 243700.

Allele frequency attached by ClinVar (database versions not stated): gnomAD 0.00001; TOPMed 0.00002; gnomAD exomes 0.00003 and 0.00005; ExAC 0.00007.
gnomAD v4.1: 46 of 1,593,576 alleles (0.0029%); highest among the groups gnomAD compares: South Asian, 0.031%; no homozygotes.

Submissions (3):

Labcorp Genetics (formerly Invitae), Labcorp
Classification: Likely benign for Combined immunodeficiency due to DOCK8 deficiency. Last evaluated: 2024-05-13. Review status: criteria provided, single submitter. Criteria: Invitae Variant Classification Sherloc (09022015). Collection method: clinical testing. Allele origin: germline.

Blueprint Genetics
Classification: Likely benign. Last evaluated: 2020-01-10. Review status: criteria provided, single submitter. Criteria: ACMG Guidelines, 2015. Collection method: clinical testing. Allele origin: germline.

GeneDx
Classification: Likely benign. Last evaluated: 2016-09-13. Review status: criteria provided, single submitter. Criteria: GeneDx Variant Classification (06012015). Collection method: clinical testing. Allele origin: germline. Affected: yes.
Comment: This variant is considered likely benign or benign based on one or more of the following criteria: it is a conservative change, it occurs at a poorly conserved position in the protein, it is predicted to be benign by multiple in silico algorithms, and/or has population frequency not consistent with disease.